The following is an entry in ClinVar:

NM_182706.5(SCRIB):c.1017C>T (p.Val339=)

Gene: SCRIB (scribble planar cell polarity protein; minus strand). Cytogenetic location: 8q24.3.
Variant type: single nucleotide variant.
Coding change: c.1017C>T on transcript NM_182706.5 (MANE Select); coding-DNA position 1017, C replaced by T.
Protein change: p.Val339=; no amino-acid change (valine 339 retained).
Molecular consequence: synonymous variant.
Genome position (GRCh38, 1-based): chr8:143,811,235, G>A on the plus strand (C>T on the coding strand, the complement: SCRIB is on the minus strand). VCF-style: chr8-143811235-G-A. GRCh37 (hg19) VCF-style: chr8-144893405-G-A.
Other names: c.1017C>T, p.Val339= (NM_015356.5).
Identifiers: ClinVar variation 3058268 (VCV003058268.2), dbSNP rs779766623, ClinGen allele CA187611312.

ClinVar aggregate classification (germline): Likely benign (0 of 4 stars; one submission).

Conditions:
SCRIB-related disorder. Also called: SCRIB-related condition.

Allele frequency attached by ClinVar (database versions not stated): gnomAD exomes 0.00005; ExAC 0.00006; TOPMed 0.00016; gnomAD 0.00023.
gnomAD v4.1: 102 of 1,611,250 alleles (0.0063%); highest among the groups gnomAD compares: African/African-American, 0.067%; no homozygotes.

Submission:

PreventionGenetics, part of Exact Sciences
Classification: Likely benign for SCRIB-related condition. Last evaluated: 2019-04-17. Review status: no assertion criteria provided. Collection method: clinical testing. Allele origin: germline.
Comment: This variant is classified as likely benign based on ACMG/AMP sequence variant interpretation guidelines (Richards et al. 2015 PMID: 25741868, with internal and published modifications).